The following is an entry in ClinVar:

NM_001009944.3(PKD1):c.3538_3539del (p.Thr1180fs)

Gene: PKD1 (polycystin 1, transient receptor potential channel interacting; minus strand). Cytogenetic location: 16p13.3.
Variant type: Microsatellite.
Coding change: c.3538_3539del on transcript NM_001009944.3 (MANE Select); coding-DNA positions 3538 to 3539, 2 bases deleted (AC; older notation c.3538_3539delAC).
Protein change: p.Thr1180fs; shifts the reading frame from threonine 1180.
Molecular consequence: frameshift variant.
Genome position (GRCh38, 1-based): chr16:2,111,628-2,111,629, GT deleted on the plus strand (AC on the coding strand, the reverse complement: PKD1 is on the minus strand); deleting any 2 consecutive bases within chr16:2,111,628-2,111,632 gives the same sequence; the c. name uses the placement nearest the transcript's 3' end. VCF-style (leftmost placement, unchanged base first): chr16-2111627-GGT-G. GRCh37 (hg19) VCF-style: chr16-2161628-GGT-G.
Other names: c.3538_3539del, p.Thr1180fs (NM_000296.4); short protein forms T1180fs.
Identifiers: ClinVar variation 3775251 (VCV003775251.1).
Genomic context (GRCh38, chr16:2,111,627, plus strand): 5'-CGCACCGCTCACCGTGTTGTTGACCTCCAGGCGCACGTGGTAGGTGCCCCTCGAGGCATA[GGT>G]GTGGTTGGCAGCCGGCTGGCTCTGGGTCAGGACAGGGGAGCCGTCCCCGAAGTCCCACGT-3'

ClinVar aggregate classification (germline): Likely pathogenic (1 of 4 stars; one submission).

Conditions:
Polycystic kidney disease, adult type (PKD1). Also called: Polycystic Kidney, Autosomal Dominant; POLYCYSTIC KIDNEY DISEASE 1 WITH OR WITHOUT POLYCYSTIC LIVER DISEASE; Polycystic Kidney Disease 1, Autosomal Dominant; Polycystic kidney disease 1; Polycystic kidney disease 1, severe; POLYCYSTIC KIDNEY DISEASE, ADULT, TYPE I. Identifiers: MedGen C3149841, MONDO:0008263, OMIM 173900.

Submission:

3billion
Classification: Likely pathogenic for Polycystic kidney disease, adult type. Last evaluated: 2023-07-12. Review status: criteria provided, single submitter. Criteria: ACMG Guidelines, 2015. Collection method: clinical testing. Allele origin: germline. Affected: yes.
Comment: The variant is not observed in the gnomAD v2.1.1 dataset. Predicted Consequence/Location: Frameshift: predicted to result in a loss or disruption of normal protein function through nonsense-mediated decay (NMD) or protein truncation. Multiple pathogenic variants are reported downstream of the variant. Therefore, this variant is classified as Likely pathogenic according to the recommendation of ACMG/AMP guideline.